The following is an entry in ClinVar:

NM_201630.2(LRRN2):c.453C>T (p.Asn151=)

Genes: LRRN2 (leucine rich repeat neuronal 2; minus strand), LRRN2-AS1 (LRRN2 antisense RNA 1; plus strand). Cytogenetic location: 1q32.1.
Variant type: single nucleotide variant.
Coding change: c.453C>T on transcript NM_201630.2 (MANE Select); coding-DNA position 453, C replaced by T.
Protein change: p.Asn151=; no amino-acid change (asparagine 151 retained).
Molecular consequence: synonymous variant.
Genome position (GRCh38, 1-based): chr1:204,619,540, G>A on the plus strand (C>T on the coding strand, the complement: LRRN2 is on the minus strand). VCF-style: chr1-204619540-G-A. GRCh37 (hg19) VCF-style: chr1-204588668-G-A.
Other names: c.453C>T, p.Asn151= (NM_006338.3).
Identifiers: ClinVar variation 2639834 (VCV002639834.24), dbSNP rs34224191, ClinGen allele CA1349233.

ClinVar aggregate classification (germline): Benign (1 of 4 stars; one submission).

Allele frequency attached by ClinVar (database versions not stated): 1000 Genomes Project 30x 0.00390; 1000 Genomes Project 0.00419; gnomAD 0.00777; TOPMed 0.00785; ESP Exome Variant Server 0.00800; ExAC 0.00856; gnomAD exomes 0.01020.

Submission:

CeGaT Center for Human Genetics Tuebingen
Classification: Benign. Last evaluated: 2023-01-01. Review status: criteria provided, single submitter. Criteria: CeGaT Center For Human Genetics Tuebingen Variant Classification Criteria Version 2. Collection method: clinical testing. Allele origin: germline. Affected: yes. Observed: 1 variant allele.
Comment: LRRN2: BP4, BS1, BS2